The following is an entry in ClinVar:

NM_001905.4(CTPS1):c.873-3T>C

Gene: CTPS1 (CTP synthase 1; plus strand). Cytogenetic location: 1p34.2.
Variant type: single nucleotide variant.
Coding change: c.873-3T>C on transcript NM_001905.4 (MANE Select); 3 bases into the intron before coding-DNA position 873, T replaced by C.
Molecular consequence: intron variant.
Genome position (GRCh38, 1-based): chr1:40,997,391, T>C. VCF-style: chr1-40997391-T-C. GRCh37 (hg19) VCF-style: chr1-41463063-T-C.
Other names: c.405-3T>C (NM_001301237.2).
Identifiers: ClinVar variation 2150255 (VCV002150255.2), dbSNP rs780616076, ClinGen allele CA795374.

ClinVar aggregate classification (germline): Uncertain significance (1 of 4 stars; one submission).

Conditions:
Combined immunodeficiency due to CTPS1 deficiency. Also called: Severe combined immunodeficiency due to CTPS1 deficiency; Immunodeficiency 24. Identifiers: Orphanet 420573, MedGen C4014617, MONDO:0014391, OMIM 615897.

Allele frequency attached by ClinVar (database versions not stated): TOPMed 0.00001; gnomAD 0.00004; ExAC 0.00008.
gnomAD v4.1: 68 of 1,611,898 alleles (0.0042%); highest among the groups gnomAD compares: East Asian, 0.12%; no homozygotes.

Submission:

Labcorp Genetics (formerly Invitae), Labcorp
Classification: Uncertain significance for Combined immunodeficiency due to CTPS1 deficiency. Last evaluated: 2022-07-17. Review status: criteria provided, single submitter. Criteria: Invitae Variant Classification Sherloc (09022015). Collection method: clinical testing. Allele origin: germline.
Comment: In summary, the available evidence is currently insufficient to determine the role of this variant in disease. Therefore, it has been classified as a Variant of Uncertain Significance. Variants that disrupt the consensus splice site are a relatively common cause of aberrant splicing (PMID: 17576681, 9536098). Algorithms developed to predict the effect of sequence changes on RNA splicing suggest that this variant is not likely to affect RNA splicing. This variant has not been reported in the literature in individuals affected with CTPS1-related conditions. This variant is present in population databases (rs780616076, gnomAD 0.03%). This sequence change falls in intron 8 of the CTPS1 gene. It does not directly change the encoded amino acid sequence of the CTPS1 protein. It affects a nucleotide within the consensus splice site.

Literature cited by the submitters: PubMed 17576681; PubMed 9536098.